The following is an entry in ClinVar:

ClinVar aggregate classification (germline): Uncertain significance. Review status: criteria provided, multiple submitters, no conflicts (2 of 4 stars). 2 submissions from 2 submitters: Uncertain significance (2). Last evaluated 2025-05-27.

Conditions:
Developmental delay with variable intellectual impairment and behavioral abnormalities. Identifiers: MedGen C5193092, MONDO:0032745, OMIM 618430.

Submissions (2):

Greenwood Genetic Center Diagnostic Laboratories, Greenwood Genetic Center
Classification: Uncertain significance. Last evaluated: 2025-05-27. Review status: criteria provided, single submitter. Criteria: ACMG Guidelines, 2015. Collection method: clinical testing. Allele origin: germline. Affected: yes.
Comment: PM2, BP4

Revvity Omics, Revvity
Classification: Uncertain significance for Developmental delay with variable intellectual impairment and behavioral abnormalities. Last evaluated: 2024-02-21. Review status: criteria provided, single submitter. Criteria: ACMG Guidelines, 2015. Collection method: clinical testing. Allele origin: germline.

NM_001378418.1(TCF20):c.733T>G (p.Ser245Ala)

Gene: TCF20 (transcription factor 20; minus strand). Cytogenetic location: 22q13.2.
Variant type: single nucleotide variant.
Coding change: c.733T>G on transcript NM_001378418.1 (MANE Select); coding-DNA position 733, T replaced by G.
Protein change: p.Ser245Ala; replaces serine 245 with alanine.
Molecular consequence: missense variant.
Genome position (GRCh38, 1-based): chr22:42,214,573, A>C on the plus strand (T>G on the coding strand, the complement: TCF20 is on the minus strand). VCF-style: chr22-42214573-A-C. GRCh37 (hg19) VCF-style: chr22-42610579-A-C.
Other names: c.733T>G, p.Ser245Ala (NM_005650.4, NM_181492.3); short protein forms S245A.
Identifiers: ClinVar variation 4080530 (VCV004080530.2).
Genomic context (GRCh38, chr22:42,214,573, plus strand): 5'-TGTAACTGCCATCATAGCTCTGTCCAGACTGGCTAAAACGCTGTGGTGAAGGGAAGGAGG[A>C]GGAGGAGGAGGAGGAAGCAGAAGACTGATAGTGTTGGCCAAACTGACCCACTCTTAACTG-3'
Protein context (NP_001365347.1, residues 235-255): YQSSASSSSS[Ser245Ala]SFPSPQRFSQ